The following is an entry in ClinVar:

ClinVar aggregate classification (germline): Benign/Likely benign. Review status: criteria provided, multiple submitters, no conflicts (2 of 4 stars). 3 submissions from 3 submitters: Benign (1); Likely benign (2). Last evaluated 2024-05-28.

Conditions:
Hereditary cancer-predisposing syndrome. Also called: Tumor predisposition; Neoplastic Syndromes, Hereditary; Hereditary neoplastic syndrome; Hereditary Cancer Syndrome. Identifiers: Orphanet 140162, MedGen C0027672, MeSH D009386, MONDO:0015356.
Familial cancer of breast. Also called: Hereditary breast cancer; hereditary breast carcinoma; BREAST CANCER, FAMILIAL. Identifiers: Orphanet 227535, MedGen C0346153, MONDO:0016419, OMIM 114480. Disease mechanism: loss of function.

Allele frequency attached by ClinVar (database versions not stated): gnomAD exomes below 0.00001.
gnomAD v4.1: 1 of 1,590,282 alleles (0.000063%); highest among the groups gnomAD compares: Non-Finnish European, 0.000086%; no homozygotes.

Submissions (3):

Myriad Genetics, Inc.
Classification: Benign for Familial cancer of breast. Last evaluated: 2024-05-28. Review status: criteria provided, single submitter. Criteria: Myriad Autosomal Dominant, Autosomal Recessive and X-Linked Classification Criteria (2023). Collection method: clinical testing. Allele origin: unknown.
Comment: This variant is considered benign. This variant is a silent/synonymous amino acid change and it is not expected to impact splicing.

Ambry Genetics
Classification: Likely benign for Hereditary cancer-predisposing syndrome. Last evaluated: 2021-07-29. Review status: criteria provided, single submitter. Criteria: Ambry Variant Classification Scheme 2023. Collection method: clinical testing. Allele origin: germline.

Color Diagnostics, LLC DBA Color Health
Classification: Likely benign for Hereditary cancer-predisposing syndrome. Last evaluated: 2018-11-26. Review status: criteria provided, single submitter. Criteria: ACMG Guidelines, 2015. Collection method: clinical testing. Allele origin: germline.

NM_000051.4(ATM):c.5925T>G (p.Leu1975=)

Genes: ATM (ATM serine/threonine kinase; plus strand), C11orf65 (chromosome 11 open reading frame 65; minus strand). Cytogenetic location: 11q22.3.
Variant type: single nucleotide variant.
Coding change: c.5925T>G on transcript NM_000051.4 (MANE Select); coding-DNA position 5925, T replaced by G.
Protein change: p.Leu1975=; no amino-acid change (leucine 1975 retained).
Molecular consequence: synonymous variant. On other transcripts: intron variant (2).
Genome position (GRCh38, 1-based): chr11:108,312,417, T>G. VCF-style: chr11-108312417-T-G. GRCh37 (hg19) VCF-style: chr11-108183144-T-G.
Other names: c.5925T>G, p.Leu1975= (NM_001351834.2); c.641-3346A>C (NM_001330368.2); c.*39-3346A>C (NM_001351110.2).
Identifiers: ClinVar variation 925329 (VCV000925329.7), dbSNP rs2084241491, ClinGen allele CA476675527.